The following is an entry in ClinVar:

ClinVar aggregate classification (germline): Pathogenic/Likely pathogenic. Review status: criteria provided, multiple submitters, no conflicts (2 of 4 stars). 2 submissions from 2 submitters: Pathogenic (1); Likely pathogenic (1). Last evaluated 2025-03-31.

Conditions:
Retinitis pigmentosa 20 (RP20). Identifiers: Orphanet 791, MedGen C3151086, MONDO:0013425, OMIM 613794.
Leber congenital amaurosis 2 (LCA2). Also called: Autosomal Recessive RPE65-Related Retinal Degeneration; AMAUROSIS CONGENITA OF LEBER II. Identifiers: Orphanet 65, MedGen C1859844, MONDO:0008765, OMIM 204100. Disease mechanism: loss of function.

Submissions (2):

Labcorp Genetics (formerly Invitae), Labcorp
Classification: Pathogenic for Leber congenital amaurosis 2; Retinitis pigmentosa 20. Last evaluated: 2025-03-31. Review status: criteria provided, single submitter. Criteria: Invitae Variant Classification Sherloc (09022015). Collection method: clinical testing. Allele origin: germline.
Comment: This sequence change creates a premature translational stop signal (p.Tyr304*) in the RPE65 gene. It is expected to result in an absent or disrupted protein product. Loss-of-function variants in RPE65 are known to be pathogenic (PMID: 9326941, 9501220, 9843205, 18632300). This variant is not present in population databases (gnomAD no frequency). This premature translational stop signal has been observed in individuals with Leber congenital amaurosis or retinitis pigmentosa (PMID: 25356976; internal data). ClinVar contains an entry for this variant (Variation ID: 1070297). For these reasons, this variant has been classified as Pathogenic.

Baylor Genetics
Classification: Likely pathogenic for Leber congenital amaurosis 2. Last evaluated: 2023-10-25. Review status: criteria provided, single submitter. Criteria: ACMG Guidelines, 2015. Collection method: clinical testing. Allele origin: unknown.

Literature cited by the submitters: PubMed 9326941 (cited by Labcorp Genetics (formerly Invitae), Labcorp); PubMed 9501220 (cited by Labcorp Genetics (formerly Invitae), Labcorp); PubMed 9843205 (cited by Labcorp Genetics (formerly Invitae), Labcorp); PubMed 18632300 (cited by Labcorp Genetics (formerly Invitae), Labcorp); PubMed 25356976 (cited by Labcorp Genetics (formerly Invitae), Labcorp).

NM_000329.3(RPE65):c.912C>G (p.Tyr304Ter)

Gene: RPE65 (retinoid isomerohydrolase RPE65; minus strand). Cytogenetic location: 1p31.3.
Variant type: single nucleotide variant.
Coding change: c.912C>G on transcript NM_000329.3 (MANE Select); coding-DNA position 912, C replaced by G.
Protein change: p.Tyr304Ter; replaces tyrosine 304 with a stop codon.
Molecular consequence: nonsense.
Genome position (GRCh38, 1-based): chr1:68,439,028, G>C on the plus strand (C>G on the coding strand, the complement: RPE65 is on the minus strand). VCF-style: chr1-68439028-G-C. GRCh37 (hg19) VCF-style: chr1-68904711-G-C.
Other names: short protein forms Y304*.
Identifiers: ClinVar variation 1070297 (VCV001070297.9), dbSNP rs2100818575, ClinGen allele CA340744922.